The following is an entry in ClinVar:

ClinVar aggregate classification (germline): Uncertain significance. Review status: criteria provided, multiple submitters, no conflicts (2 of 4 stars). 2 submissions from 2 submitters: Uncertain significance (2). Last evaluated 2024-03-05.

Conditions:
Arrhythmogenic right ventricular cardiomyopathy (ARVD). Also called: Arrhythmogenic cardiomyopathy; Cardiomyopathy, ARVC; Arrhythmogenic right ventricular dysplasia; Arrhythmogenic Right Ventricular Cardiomyopathy (ARVC). Identifiers: Orphanet 247, MedGen C0349788, MeSH D019571, MONDO:0016587. Disease mechanism: loss of function. Inheritance: Various modes of inheritance.
Cardiomyopathy (CMYO). Also called: Cardiomyopathies. Identifiers: Orphanet 167848, MedGen C0878544, MONDO:0004994, HP:0001638. Inheritance: Various modes of inheritance.

Allele frequency attached by ClinVar (database versions not stated): gnomAD exomes below 0.00001; TOPMed below 0.00001.

Submissions (2):

All of Us Research Program, National Institutes of Health
Classification: Uncertain significance for Arrhythmogenic right ventricular cardiomyopathy. Last evaluated: 2024-03-05. Review status: criteria provided, single submitter. Criteria: ACMG Guidelines, 2015. Collection method: clinical testing. Allele origin: germline. Inheritance: Autosomal dominant inheritance. Observed: 2 variant alleles, 2 heterozygotes.
Comment: Variant of Uncertain Significance due to insufficient evidence: This missense variant replaces isoleucine with threonine at codon 469 of the DSG2 protein. Computational prediction tools and conservation analyses are inconclusive regarding the impact of this variant on the protein function. Computational splicing tools suggest that this variant may not impact RNA splicing. To our knowledge, functional assays have not been performed for this variant nor has this variant been reported in individuals affected with cardiovascular disorders in the literature. This variant is rare in the general population and has been identified in 0/277264 chromosomes by the Genome Aggregation Database (gnomAD). Available evidence is insufficient to determine the role of this variant in disease conclusively.

This study involves interpretation of variants in research participants for the purpose of population health screening. Participant phenotype was not available at the time of variant classification. Additional details can be found in publication PMID: 35346344, PMCID: PMC8962531

Color Diagnostics, LLC DBA Color Health
Classification: Uncertain significance for Cardiomyopathy. Last evaluated: 2023-12-04. Review status: criteria provided, single submitter. Criteria: ACMG Guidelines, 2015. Collection method: clinical testing. Allele origin: germline.
Comment: Variant of Uncertain Significance due to insufficient evidence: This missense variant replaces isoleucine with threonine at codon 469 of the DSG2 protein. Computational prediction tools and conservation analyses are inconclusive regarding the impact of this variant on the protein function. Computational splicing tools suggest that this variant may not impact RNA splicing. To our knowledge, functional assays have not been performed for this variant nor has this variant been reported in individuals affected with cardiovascular disorders in the literature. This variant is rare in the general population and has been identified in 0/277264 chromosomes by the Genome Aggregation Database (gnomAD). Available evidence is insufficient to determine the role of this variant in disease conclusively.

NM_001943.5(DSG2):c.1406T>C (p.Ile469Thr)

Gene: DSG2 (desmoglein 2; plus strand). Cytogenetic location: 18q12.1.
Variant type: single nucleotide variant.
Coding change: c.1406T>C on transcript NM_001943.5 (MANE Select); coding-DNA position 1406, T replaced by C.
Protein change: p.Ile469Thr; replaces isoleucine 469 with threonine.
Molecular consequence: missense variant.
Genome position (GRCh38, 1-based): chr18:31,535,395, T>C. VCF-style: chr18-31535395-T-C. GRCh37 (hg19) VCF-style: chr18-29115358-T-C.
Other names: short protein forms I469T.
Identifiers: ClinVar variation 927476 (VCV000927476.7), dbSNP rs2073223451, ClinGen allele CA402140539.
Genomic context (GRCh38, chr18:31,535,395, plus strand): 5'-TTGCAAAACTTCCTGATTTTGAATCTAGATATGTTCAAAATGGCACATACACTGTAAAGA[T>C]TGTGGCCATATCAGAAGGTAAGTTATTAAATAGATCTTTTTCTTGATTATATGTATTTAG-3'
Protein context (NP_001934.2, residues 459-479): YVQNGTYTVK[Ile469Thr]VAISEDYPRK